The following is an entry in ClinVar:

ClinVar aggregate classification (germline): Uncertain significance (1 of 4 stars; one submission).

Allele frequency attached by ClinVar (database versions not stated): gnomAD exomes below 0.00001.
gnomAD v4.1: 1 of 1,613,976 alleles (0.000062%); highest among the groups gnomAD compares: Non-Finnish European, 0.000085%; no homozygotes.

Submission:

Labcorp Genetics (formerly Invitae), Labcorp
Classification: Uncertain significance. Last evaluated: 2022-08-03. Review status: criteria provided, single submitter. Criteria: Invitae Variant Classification Sherloc (09022015). Collection method: clinical testing. Allele origin: germline.
Comment: This variant is not present in population databases (gnomAD no frequency). This sequence change replaces serine, which is neutral and polar, with leucine, which is neutral and non-polar, at codon 737 of the DMXL2 protein (p.Ser737Leu). This variant has not been reported in the literature in individuals affected with DMXL2-related conditions. Algorithms developed to predict the effect of missense changes on protein structure and function are either unavailable or do not agree on the potential impact of this missense change (SIFT: "Tolerated"; PolyPhen-2: "Probably Damaging"; Align-GVGD: "Class C0"). In summary, the available evidence is currently insufficient to determine the role of this variant in disease. Therefore, it has been classified as a Variant of Uncertain Significance.

NM_001378457.1(DMXL2):c.2210C>T (p.Ser737Leu)

Gene: DMXL2 (Dmx like 2; minus strand). Cytogenetic location: 15q21.2.
Variant type: single nucleotide variant.
Coding change: c.2210C>T on transcript NM_001378457.1 (MANE Select); coding-DNA position 2210, C replaced by T.
Protein change: p.Ser737Leu; replaces serine 737 with leucine.
Molecular consequence: missense variant. On other transcripts: non-coding transcript variant (2).
Genome position (GRCh38, 1-based): chr15:51,536,270, G>A on the plus strand (C>T on the coding strand, the complement: DMXL2 is on the minus strand). VCF-style: chr15-51536270-G-A. GRCh37 (hg19) VCF-style: chr15-51828467-G-A.
Other names: c.2210C>T, p.Ser737Leu (NM_001174116.3, NM_001174117.3, NM_001378458.1 and 6 more transcripts); c.1970C>T, p.Ser657Leu (NM_001378464.1); short protein forms S657L, S737L.
Identifiers: ClinVar variation 1944614 (VCV001944614.5), dbSNP rs2548604503, ClinGen allele CA392442419.